The following is an entry in ClinVar:

ClinVar aggregate classification (germline): Likely benign (0 of 4 stars; one submission).

Conditions:
ARHGEF2-related disorder. Also called: ARHGEF2-related condition.

Allele frequency attached by ClinVar (database versions not stated): ESP Exome Variant Server 0.00008; TOPMed 0.00012; gnomAD 0.00014; ExAC 0.00018; gnomAD exomes 0.00018.
gnomAD v4.1: 286 of 1,614,154 alleles (0.018%); highest among the groups gnomAD compares: East Asian, 0.17%; no homozygotes.

Submission:

PreventionGenetics, part of Exact Sciences
Classification: Likely benign for ARHGEF2-related condition. Last evaluated: 2019-09-10. Review status: no assertion criteria provided. Collection method: clinical testing. Allele origin: germline.
Comment: This variant is classified as likely benign based on ACMG/AMP sequence variant interpretation guidelines (Richards et al. 2015 PMID: 25741868, with internal and published modifications).

NM_001162383.2(ARHGEF2):c.1836C>T (p.Val612=)

Gene: ARHGEF2 (Rho/Rac guanine nucleotide exchange factor 2; minus strand). Cytogenetic location: 1q22.
Variant type: single nucleotide variant.
Coding change: c.1836C>T on transcript NM_001162383.2 (MANE Select); coding-DNA position 1836, C replaced by T.
Protein change: p.Val612=; no amino-acid change (valine 612 retained).
Molecular consequence: synonymous variant.
Genome position (GRCh38, 1-based): chr1:155,952,776, G>A on the plus strand (C>T on the coding strand, the complement: ARHGEF2 is on the minus strand). VCF-style: chr1-155952776-G-A. GRCh37 (hg19) VCF-style: chr1-155922567-G-A.
Other names: c.1833C>T, p.Val611= (NM_001162384.2); c.1755C>T, p.Val585= (NM_001350110.2, NM_001350111.2); c.1782C>T, p.Val594= (NM_001350112.2); c.1752C>T, p.Val584= (NM_004723.4).
Identifiers: ClinVar variation 3040342 (VCV003040342.2), dbSNP rs142129169, ClinGen allele CA1153152.